The following is an entry in ClinVar:

ClinVar aggregate classification (germline): Uncertain significance. Review status: criteria provided, multiple submitters, no conflicts (2 of 4 stars). 2 submissions from 2 submitters: Uncertain significance (2). Last evaluated 2026-01-03.

Allele frequency attached by ClinVar (database versions not stated): ExAC 0.00002; gnomAD exomes 0.00003; TOPMed 0.00010; gnomAD 0.00012.
gnomAD v4.1: 60 of 1,613,874 alleles (0.0037%); highest among the groups gnomAD compares: Middle Eastern, 0.23%; no homozygotes.

Submissions (2):

Labcorp Genetics (formerly Invitae), Labcorp
Classification: Uncertain significance. Last evaluated: 2026-01-03. Review status: criteria provided, single submitter. Criteria: Invitae Variant Classification Sherloc (09022015). Collection method: clinical testing. Allele origin: germline.
Comment: This sequence change replaces proline, which is neutral and non-polar, with arginine, which is basic and polar, at codon 530 of the ANKZF1 protein (p.Pro530Arg). This variant is present in population databases (rs779260347, gnomAD 0.02%). This variant has not been reported in the literature in individuals affected with ANKZF1-related conditions. ClinVar contains an entry for this variant (Variation ID: 1443695). An algorithm developed to predict the effect of missense changes on protein structure and function (PolyPhen-2) suggests that this variant is likely to be disruptive. In summary, the available evidence is currently insufficient to determine the role of this variant in disease. Therefore, it has been classified as a Variant of Uncertain Significance.

Ambry Genetics
Classification: Uncertain significance. Last evaluated: 2023-04-03. Review status: criteria provided, single submitter. Criteria: Ambry Variant Classification Scheme 2023. Collection method: clinical testing. Allele origin: germline.

NM_018089.3(ANKZF1):c.1589C>G (p.Pro530Arg)

Gene: ANKZF1 (ankyrin repeat and zinc finger peptidyl tRNA hydrolase 1; plus strand). Cytogenetic location: 2q35.
Variant type: single nucleotide variant.
Coding change: c.1589C>G on transcript NM_018089.3 (MANE Select); coding-DNA position 1589, C replaced by G.
Protein change: p.Pro530Arg; replaces proline 530 with arginine.
Molecular consequence: missense variant.
Genome position (GRCh38, 1-based): chr2:219,235,210, C>G. VCF-style: chr2-219235210-C-G. GRCh37 (hg19) VCF-style: chr2-220099932-C-G.
Other names: c.1589C>G, p.Pro530Arg (NM_001042410.2); c.959C>G, p.Pro320Arg (NM_001282792.2); c.1589C>G (NM_018089.2); short protein forms P320R, P530R.
Identifiers: ClinVar variation 1443695 (VCV001443695.7), dbSNP rs779260347, ClinGen allele CA2121101.
Genomic context (GRCh38, chr2:219,235,210, plus strand): 5'-TAAAGCTGCAGCTAGCTCCCAGCCCTGCAGACCCTAGAGTTCTGTCTCTGCTCAGTGCCC[C>G]CTTGGGCTCCGGTGGCTTTACTCTCCTGCATGCAGCAGCTGCAGCTGGAAGAGGCTCAGT-3'
Protein context (NP_060559.2, residues 520-540): DPRVLSLLSA[Pro530Arg]LGSGGFTLLH